The following is an entry in ClinVar:

ClinVar aggregate classification (germline): Conflicting classifications of pathogenicity. Review status: criteria provided, conflicting classifications (1 of 4 stars). 3 submissions from 3 submitters: Uncertain significance (1); Likely benign (2). Last evaluated 2024-09-20.

Conditions:
Landau-Kleffner syndrome (FESD). Also called: APHASIA, ACQUIRED, WITH EPILEPSY; EPILEPSY, FOCAL, WITH SPEECH DISORDER AND WITH OR WITHOUT MENTAL RETARDATION. Identifiers: Orphanet 1945, Orphanet 725, Orphanet 98818, MedGen C0282512, MONDO:0009509, OMIM 245570.

Submissions (3):

3billion
Classification: Likely benign for Landau-Kleffner syndrome. Last evaluated: 2024-09-20. Review status: criteria provided, single submitter. Criteria: ACMG Guidelines, 2015. Collection method: clinical testing. Allele origin: germline. Affected: no.
Comment: The variant was identified in at least one patient who was diagnosed with a different variant in another gene and showed no symptoms related to the gene containing the variant in question.

Labcorp Genetics (formerly Invitae), Labcorp
Classification: Likely benign for Landau-Kleffner syndrome. Last evaluated: 2024-08-08. Review status: criteria provided, single submitter. Criteria: Invitae Variant Classification Sherloc (09022015). Collection method: clinical testing. Allele origin: germline.

Mendelics
Classification: Uncertain significance for Landau-Kleffner syndrome. Last evaluated: 2019-05-28. Review status: criteria provided, single submitter. Criteria: Mendelics Assertion Criteria 2017. Collection method: clinical testing. Allele origin: unknown.

NM_001134407.3(GRIN2A):c.250A>T (p.Thr84Ser)

Gene: GRIN2A (glutamate ionotropic receptor NMDA type subunit 2A; minus strand). Cytogenetic location: 16p13.2.
Variant type: single nucleotide variant.
Coding change: c.250A>T on transcript NM_001134407.3 (MANE Select); coding-DNA position 250, A replaced by T.
Protein change: p.Thr84Ser; replaces threonine 84 with serine.
Molecular consequence: missense variant.
Genome position (GRCh38, 1-based): chr16:10,180,162, T>A on the plus strand (A>T on the coding strand, the complement: GRIN2A is on the minus strand). VCF-style: chr16-10180162-T-A. GRCh37 (hg19) VCF-style: chr16-10274019-T-A.
Other names: c.250A>T, p.Thr84Ser (NM_000833.5, NM_001134408.2); short protein forms T84S.
Identifiers: ClinVar variation 803219 (VCV000803219.7), dbSNP rs1006328489, ClinGen allele CA277615758.